The following is an entry in ClinVar:

NM_001128840.3(CACNA1D):c.2048C>T (p.Thr683Ile)

Gene: CACNA1D (calcium voltage-gated channel subunit alpha1 D; plus strand). Cytogenetic location: 3p21.1.
Variant type: single nucleotide variant.
Coding change: c.2048C>T on transcript NM_001128840.3 (MANE Select); coding-DNA position 2048, C replaced by T.
Protein change: p.Thr683Ile; replaces threonine 683 with isoleucine.
Molecular consequence: missense variant.
Genome position (GRCh38, 1-based): chr3:53,723,947, C>T. VCF-style: chr3-53723947-C-T. GRCh37 (hg19) VCF-style: chr3-53757974-C-T.
Other names: c.2108C>T, p.Thr703Ile (NM_000720.4); c.2048C>T, p.Thr683Ile (NM_001128839.3); short protein forms T683I, T703I.
Identifiers: ClinVar variation 4083310 (VCV004083310.1).

ClinVar aggregate classification (germline): Uncertain significance (1 of 4 stars; one submission).

Submission:

GeneDx
Classification: Uncertain significance. Last evaluated: 2025-03-13. Review status: criteria provided, single submitter. Criteria: GeneDx Variant Classification Process June 2021. Collection method: clinical testing. Allele origin: germline. Affected: yes.
Comment: Not observed at significant frequency in large population cohorts (gnomAD); In silico analysis supports that this missense variant has a deleterious effect on protein structure/function; Has not been previously published as pathogenic or benign to our knowledge